The following is an entry in ClinVar:

ClinVar aggregate classification (germline): Pathogenic. Review status: criteria provided, multiple submitters, no conflicts (2 of 4 stars). 2 submissions from 2 submitters: Pathogenic (2). Last evaluated 2023-05-22.

Conditions:
Acrocallosal syndrome (ACLS). Also called: HALLUX DUPLICATION, POSTAXIAL POLYDACTYLY, AND ABSENCE OF CORPUS CALLOSUM; Schinzel syndrome 1; Absence of corpus callosum with unusual facial appearance, mental deficiency, duplication of the halluces and polydactyly. Identifiers: Orphanet 36, MedGen C0796147, MONDO:0008708, OMIM 200990.

Allele frequency attached by ClinVar (database versions not stated): gnomAD 0.00001; TOPMed 0.00001.
gnomAD v4.1: 1 of 1,611,550 alleles (0.000062%); highest among the groups gnomAD compares: African/African-American, 0.0013%; no homozygotes.

Submissions (2):

GeneDx
Classification: Pathogenic. Last evaluated: 2023-05-22. Review status: criteria provided, single submitter. Criteria: GeneDx Variant Classification Process June 2021. Collection method: clinical testing. Allele origin: germline. Affected: yes.
Comment: Nonsense variant predicted to result in protein truncation or nonsense-mediated decay in a gene for which loss-of-function is a known mechanism of disease; Not observed at significant frequency in large population cohorts (gnomAD); Has not been previously published as pathogenic or benign to our knowledge

Labcorp Genetics (formerly Invitae), Labcorp
Classification: Pathogenic for Acrocallosal syndrome. Last evaluated: 2022-07-03. Review status: criteria provided, single submitter. Criteria: Invitae Variant Classification Sherloc (09022015). Collection method: clinical testing. Allele origin: germline.
Comment: This variant has not been reported in the literature in individuals affected with KIF7-related conditions. This variant is not present in population databases (gnomAD no frequency). This sequence change creates a premature translational stop signal (p.Gln833*) in the KIF7 gene. It is expected to result in an absent or disrupted protein product. Loss-of-function variants in KIF7 are known to be pathogenic (PMID: 19666503, 21552264, 21633164, 26648833). For these reasons, this variant has been classified as Pathogenic.

Literature cited by the submitters: PubMed 19666503 (cited by Labcorp Genetics (formerly Invitae), Labcorp); PubMed 21552264 (cited by Labcorp Genetics (formerly Invitae), Labcorp); PubMed 21633164 (cited by Labcorp Genetics (formerly Invitae), Labcorp); PubMed 26648833 (cited by Labcorp Genetics (formerly Invitae), Labcorp).

NM_198525.3(KIF7):c.2497C>T (p.Gln833Ter)

Gene: KIF7 (kinesin family member 7; minus strand). Cytogenetic location: 15q26.1.
Variant type: single nucleotide variant.
Coding change: c.2497C>T on transcript NM_198525.3 (MANE Select); coding-DNA position 2497, C replaced by T.
Protein change: p.Gln833Ter; replaces glutamine 833 with a stop codon.
Molecular consequence: nonsense.
Genome position (GRCh38, 1-based): chr15:89,633,781, G>A on the plus strand (C>T on the coding strand, the complement: KIF7 is on the minus strand). VCF-style: chr15-89633781-G-A. GRCh37 (hg19) VCF-style: chr15-90177012-G-A.
Other names: c.2497C>T (NM_198525.2); short protein forms Q833*.
Identifiers: ClinVar variation 2013484 (VCV002013484.5), dbSNP rs746915003, ClinGen allele CA393759803.